The following is an entry in ClinVar:

NM_003640.5(ELP1):c.1321G>A (p.Val441Ile)

Gene: ELP1 (elongator acetyltransferase complex subunit 1; minus strand). Cytogenetic location: 9q31.3.
Variant type: single nucleotide variant.
Coding change: c.1321G>A on transcript NM_003640.5 (MANE Select); coding-DNA position 1321, G replaced by A.
Protein change: p.Val441Ile; replaces valine 441 with isoleucine.
Molecular consequence: missense variant.
Genome position (GRCh38, 1-based): chr9:108,911,049, C>T on the plus strand (G>A on the coding strand, the complement: ELP1 is on the minus strand). VCF-style: chr9-108911049-C-T. GRCh37 (hg19) VCF-style: chr9-111673329-C-T.
Other names: c.979G>A, p.Val327Ile (NM_001318360.2); c.274G>A, p.Val92Ile (NM_001330749.2); c.1321G>A (NM_003640.3, NM_003640.4); short protein forms V327I, V92I, V441I.
Identifiers: ClinVar variation 1442923 (VCV001442923.5), dbSNP rs778927429, ClinGen allele CA5175056.

ClinVar aggregate classification (germline): Uncertain significance. Review status: criteria provided, multiple submitters, no conflicts (2 of 4 stars). 3 submissions from 3 submitters: Uncertain significance (3). Last evaluated 2026-06-01.

Conditions:
ELP1-related disorder. Also called: ELP1-related condition.

Allele frequency attached by ClinVar (database versions not stated): gnomAD exomes below 0.00001 and 0.00001; TOPMed below 0.00001; ExAC 0.00001.

Submissions (3):

PreventionGenetics, part of Exact Sciences
Classification: Uncertain significance for ELP1-related condition. Last evaluated: 2026-06-01. Review status: criteria provided, single submitter. Criteria: ACMG Guidelines, 2015. Collection method: clinical testing. Allele origin: germline.
Comment: The ELP1 c.1321G>A variant is predicted to result in the amino acid substitution p.Val441Ile. To our knowledge, this variant has not been reported in the literature. This variant is reported in 0.0054% of alleles in individuals of East Asian descent in gnomAD. At this time, the clinical significance of this variant is uncertain due to the absence of conclusive functional and genetic evidence.

Ambry Genetics
Classification: Uncertain significance. Last evaluated: 2024-02-04. Review status: criteria provided, single submitter. Criteria: Ambry Variant Classification Scheme 2023. Collection method: clinical testing. Allele origin: germline.
Comment: The p.V441I variant (also known as c.1321G>A), located in coding exon 11 of the IKBKAP gene, results from a G to A substitution at nucleotide position 1321. The valine at codon 441 is replaced by isoleucine, an amino acid with highly similar properties. This amino acid position is conserved. In addition, this alteration is predicted to be tolerated by in silico analysis. Based on the available evidence, the clinical significance of this alteration remains unclear.

Labcorp Genetics (formerly Invitae), Labcorp
Classification: Uncertain significance. Last evaluated: 2021-11-26. Review status: criteria provided, single submitter. Criteria: Invitae Variant Classification Sherloc (09022015). Collection method: clinical testing. Allele origin: germline.
Comment: This sequence change replaces valine, which is neutral and non-polar, with isoleucine, which is neutral and non-polar, at codon 441 of the ELP1 protein (p.Val441Ile). This variant is present in population databases (rs778927429, gnomAD 0.0009%). This variant has not been reported in the literature in individuals affected with ELP1-related conditions. Algorithms developed to predict the effect of missense changes on protein structure and function output the following: SIFT: "Tolerated"; PolyPhen-2: "Benign"; Align-GVGD: "Class C0". The isoleucine amino acid residue is found in multiple mammalian species, which suggests that this missense change does not adversely affect protein function. In summary, the available evidence is currently insufficient to determine the role of this variant in disease. Therefore, it has been classified as a Variant of Uncertain Significance.